The following is an entry in ClinVar:

NM_004369.4(COL6A3):c.2105T>C (p.Ile702Thr)

Gene: COL6A3 (collagen type VI alpha 3 chain; minus strand). Cytogenetic location: 2q37.3.
Variant type: single nucleotide variant.
Coding change: c.2105T>C on transcript NM_004369.4 (MANE Select); coding-DNA position 2105, T replaced by C.
Protein change: p.Ile702Thr; replaces isoleucine 702 with threonine.
Molecular consequence: missense variant. On other transcripts: intron variant (1).
Genome position (GRCh38, 1-based): chr2:237,379,028, A>G on the plus strand (T>C on the coding strand, the complement: COL6A3 is on the minus strand). VCF-style: chr2-237379028-A-G. GRCh37 (hg19) VCF-style: chr2-238287671-A-G.
Other names: c.884T>C, p.Ile295Thr (NM_057164.5); c.1487T>C, p.Ile496Thr (NM_057165.5, NM_057167.4); c.677-1684T>C (NM_057166.5); short protein forms I295T, I496T, I702T.
Identifiers: ClinVar variation 1303736 (VCV001303736.4), dbSNP rs141068214, ClinGen allele CA2189478.
Genomic context (GRCh38, chr2:237,379,028, plus strand): 5'-GCTGAGCCTGTGTTCAGGCCCGAACCTCCCTGGAGCTGCAGCTGCCTCAGATGACCAAGG[A>G]TATCTGACTTGGTCTGGTATGTGTTTAAAGAGAACTCCGTTACAGGAGTGTCACTAAATT-3'
Protein context (NP_004360.2, residues 692-712): SLNTYQTKSD[Ile702Thr]LGHLRQLQLQ

ClinVar aggregate classification (germline): Uncertain significance. Review status: criteria provided, multiple submitters, no conflicts (2 of 4 stars). 3 submissions from 3 submitters: Uncertain significance (3). Last evaluated 2026-01-28.

Conditions:
Bethlem myopathy 1A. Also called: Bethlem myopathy 1; MYOPATHY, BENIGN CONGENITAL, WITH CONTRACTURES; Bethlem Muscular Dystrophy. Identifiers: Orphanet 610, MedGen CN029274, MONDO:0024530, OMIM 158810.
Inborn genetic diseases. Identifiers: MedGen C0950123, MeSH D030342.

Allele frequency attached by ClinVar (database versions not stated): gnomAD exomes below 0.00001 and 0.00001; ExAC 0.00001; ESP Exome Variant Server 0.00015.

Submissions (3):

Labcorp Genetics (formerly Invitae), Labcorp
Classification: Uncertain significance for Bethlem myopathy 1A. Last evaluated: 2026-01-28. Review status: criteria provided, single submitter. Criteria: Invitae Variant Classification Sherloc (09022015). Collection method: clinical testing. Allele origin: germline.
Comment: This sequence change replaces isoleucine, which is neutral and non-polar, with threonine, which is neutral and polar, at codon 702 of the COL6A3 protein (p.Ile702Thr). This variant is present in population databases (rs141068214, gnomAD 0.0009%). This variant has not been reported in the literature in individuals affected with COL6A3-related conditions. ClinVar contains an entry for this variant (Variation ID: 1303736). Invitae Evidence Modeling of protein sequence and biophysical properties (such as structural, functional, and spatial information, amino acid conservation, physicochemical variation, residue mobility, and thermodynamic stability) indicates that this missense variant is not expected to disrupt COL6A3 protein function with a negative predictive value of 95%. In summary, the available evidence is currently insufficient to determine the role of this variant in disease. Therefore, it has been classified as a Variant of Uncertain Significance.

Ambry Genetics
Classification: Uncertain significance for Inborn genetic diseases. Last evaluated: 2024-12-28. Review status: criteria provided, single submitter. Criteria: Ambry Variant Classification Scheme 2023. Collection method: clinical testing. Allele origin: germline.

GeneDx
Classification: Uncertain significance. Last evaluated: 2021-03-24. Review status: criteria provided, single submitter. Criteria: GeneDx Variant Classification Process June 2021. Collection method: clinical testing. Allele origin: germline. Affected: yes.
Comment: Not observed at a significant frequency in large population cohorts (Lek et al., 2016); In silico analysis supports that this missense variant has a deleterious effect on protein structure/function; Has not been previously published as pathogenic or benign to our knowledge